The following is an entry in ClinVar:

ClinVar aggregate classification (germline): Uncertain significance (1 of 4 stars; one submission).

Conditions:
Severe combined immunodeficiency due to DNA-PKcs deficiency. Also called: IMMUNODEFICIENCY 26 WITH NEUROLOGIC ABNORMALITIES; Immunodeficiency 26 with or without neurologic abnormalities. Identifiers: Orphanet 317425, MedGen C4014833, MONDO:0014423, OMIM 615966.

Allele frequency attached by ClinVar (database versions not stated): TOPMed 0.00005.
gnomAD v4.1: 40 of 1,613,936 alleles (0.0025%); highest among the groups gnomAD compares: Non-Finnish European, 0.0032%; no homozygotes.

Submission:

Labcorp Genetics (formerly Invitae), Labcorp
Classification: Uncertain significance for Severe combined immunodeficiency due to DNA-PKcs deficiency. Last evaluated: 2022-01-21. Review status: criteria provided, single submitter. Criteria: Invitae Variant Classification Sherloc (09022015). Collection method: clinical testing. Allele origin: germline.
Comment: In summary, the available evidence is currently insufficient to determine the role of this variant in disease. Therefore, it has been classified as a Variant of Uncertain Significance. Experimental studies and prediction algorithms are not available or were not evaluated, and the functional significance of this variant is currently unknown. This variant has not been reported in the literature in individuals affected with PRKDC-related conditions. This variant is present in population databases (rs767235558, gnomAD 0.007%). This sequence change replaces histidine, which is basic and polar, with arginine, which is basic and polar, at codon 1613 of the PRKDC protein (p.His1613Arg).

NM_006904.7(PRKDC):c.4838A>G (p.His1613Arg)

Gene: PRKDC (protein kinase, DNA-activated, catalytic subunit; minus strand). Cytogenetic location: 8q11.21.
Variant type: single nucleotide variant.
Coding change: c.4838A>G on transcript NM_006904.7 (MANE Select); coding-DNA position 4838, A replaced by G.
Protein change: p.His1613Arg; replaces histidine 1613 with arginine.
Molecular consequence: missense variant.
Genome position (GRCh38, 1-based): chr8:47,882,036, T>C on the plus strand (A>G on the coding strand, the complement: PRKDC is on the minus strand). VCF-style: chr8-47882036-T-C. GRCh37 (hg19) VCF-style: chr8-48794597-T-C.
Other names: c.4838A>G, p.His1613Arg (NM_001081640.2); short protein forms H1613R.
Identifiers: ClinVar variation 1512984 (VCV001512984.4), dbSNP rs767235558, ClinGen allele CA4740781.